The following is an entry in ClinVar:

NM_001943.5(DSG2):c.2669T>G (p.Val890Gly)

Genes: DSG2 (desmoglein 2; plus strand), DSG2-AS1 (DSG2 antisense RNA 1; minus strand). Cytogenetic location: 18q12.1.
Variant type: single nucleotide variant.
Coding change: c.2669T>G on transcript NM_001943.5 (MANE Select); coding-DNA position 2669, T replaced by G.
Protein change: p.Val890Gly; replaces valine 890 with glycine.
Molecular consequence: missense variant.
Genome position (GRCh38, 1-based): chr18:31,546,055, T>G. VCF-style: chr18-31546055-T-G. GRCh37 (hg19) VCF-style: chr18-29126018-T-G.
Other names: short protein forms V890G.
Identifiers: ClinVar variation 2966445 (VCV002966445.4), dbSNP rs2073305453, ClinGen allele CA402145986.

ClinVar aggregate classification (germline): Uncertain significance. Review status: criteria provided, multiple submitters, no conflicts (2 of 4 stars). 2 submissions from 2 submitters: Uncertain significance (2). Last evaluated 2025-06-17.

Conditions:
Arrhythmogenic right ventricular dysplasia 10. Also called: Arrhythmogenic Right Ventricular Dysplasia/Cardiomyopathy10; ARRHYTHMOGENIC RIGHT VENTRICULAR DYSPLASIA, FAMILIAL, 10; Arrhythmogenic right ventricular dysplasia/cardiomyopathy, type 10. Identifiers: MedGen C1857777, MONDO:0012434, OMIM 610193.
Cardiomyopathy (CMYO). Also called: Cardiomyopathies. Identifiers: Orphanet 167848, MedGen C0878544, MONDO:0004994, HP:0001638. Inheritance: Various modes of inheritance.

Allele frequency attached by ClinVar (database versions not stated): TOPMed below 0.00001.

Submissions (2):

Color Diagnostics, LLC DBA Color Health
Classification: Uncertain significance for Cardiomyopathy. Last evaluated: 2025-06-17. Review status: criteria provided, single submitter. Criteria: ACMG Guidelines, 2015. Collection method: clinical testing. Allele origin: germline.
Comment: This missense variant replaces valine with glycine at codon 890 of the DSG2 protein. Computational prediction suggests that this variant may not impact protein structure and function. To our knowledge, functional studies have not been reported for this variant. This variant has not been reported in individuals affected with DSG2-related disorders in the literature. This variant has not been identified in the general population by the Genome Aggregation Database (gnomAD). The available evidence is insufficient to determine the role of this variant in disease conclusively. Therefore, this variant is classified as a Variant of Uncertain Significance.

Labcorp Genetics (formerly Invitae), Labcorp
Classification: Uncertain significance for Arrhythmogenic right ventricular dysplasia 10. Last evaluated: 2022-11-05. Review status: criteria provided, single submitter. Criteria: Invitae Variant Classification Sherloc (09022015). Collection method: clinical testing. Allele origin: germline.
Comment: In summary, the available evidence is currently insufficient to determine the role of this variant in disease. Therefore, it has been classified as a Variant of Uncertain Significance. Advanced modeling of protein sequence and biophysical properties (such as structural, functional, and spatial information, amino acid conservation, physicochemical variation, residue mobility, and thermodynamic stability) performed at Invitae indicates that this missense variant is not expected to disrupt DSG2 protein function. This variant has not been reported in the literature in individuals affected with DSG2-related conditions. This variant is not present in population databases (gnomAD no frequency). This sequence change replaces valine, which is neutral and non-polar, with glycine, which is neutral and non-polar, at codon 890 of the DSG2 protein (p.Val890Gly).